The following is an entry in ClinVar:

NM_020366.4(RPGRIP1):c.2048T>C (p.Val683Ala)

Gene: RPGRIP1 (RPGR interacting protein 1; plus strand). Cytogenetic location: 14q11.2.
Variant type: single nucleotide variant.
Coding change: c.2048T>C on transcript NM_020366.4 (MANE Select); coding-DNA position 2048, T replaced by C.
Protein change: p.Val683Ala; replaces valine 683 with alanine.
Molecular consequence: missense variant. On other transcripts: intron variant (4).
Genome position (GRCh38, 1-based): chr14:21,324,903, T>C. VCF-style: chr14-21324903-T-C. GRCh37 (hg19) VCF-style: chr14-21793062-T-C.
Other names: c.974T>C, p.Val325Ala (NM_001377948.1); c.796+178T>C (NM_001377949.1); c.689-2720T>C (NM_001377523.1, NM_001377950.1); c.191-2720T>C (NM_001377951.1); short protein forms V683A, V325A.
Identifiers: ClinVar variation 1975159 (VCV001975159.5), dbSNP rs2502812792, ClinGen allele CA388867729.

ClinVar aggregate classification (germline): Uncertain significance (1 of 4 stars; one submission).

Conditions:
Cone-rod dystrophy 13 (CORD13). Identifiers: Orphanet 1872, MedGen C2750720, MONDO:0011987, OMIM 608194.
Leber congenital amaurosis 6 (LCA6). Identifiers: Orphanet 65, MedGen C1854260, MONDO:0013446, OMIM 613826.

Submission:

Labcorp Genetics (formerly Invitae), Labcorp
Classification: Uncertain significance for Leber congenital amaurosis 6; Cone-rod dystrophy 13. Last evaluated: 2022-04-16. Review status: criteria provided, single submitter. Criteria: Invitae Variant Classification Sherloc (09022015). Collection method: clinical testing. Allele origin: germline.
Comment: In summary, the available evidence is currently insufficient to determine the role of this variant in disease. Therefore, it has been classified as a Variant of Uncertain Significance. Algorithms developed to predict the effect of missense changes on protein structure and function output the following: SIFT: "Tolerated"; PolyPhen-2: "Possibly Damaging"; Align-GVGD: "Class C0". The alanine amino acid residue is found in multiple mammalian species, which suggests that this missense change does not adversely affect protein function. This variant has not been reported in the literature in individuals affected with RPGRIP1-related conditions. This variant is not present in population databases (gnomAD no frequency). This sequence change replaces valine, which is neutral and non-polar, with alanine, which is neutral and non-polar, at codon 683 of the RPGRIP1 protein (p.Val683Ala).